The following is an entry in ClinVar:

NM_001378120.1(MBD5):c.2842G>A (p.Glu948Lys)

Gene: MBD5 (methyl-CpG binding domain protein 5; plus strand). Cytogenetic location: 2q23.1.
Variant type: single nucleotide variant.
Coding change: c.2842G>A on transcript NM_001378120.1 (MANE Select); coding-DNA position 2842, G replaced by A.
Protein change: p.Glu948Lys; replaces glutamic acid 948 with lysine.
Molecular consequence: missense variant.
Genome position (GRCh38, 1-based): chr2:148,483,433, G>A. VCF-style: chr2-148483433-G-A. GRCh37 (hg19) VCF-style: chr2-149241002-G-A.
Other names: c.2842G>A, p.Glu948Lys (NM_018328.5); short protein forms E948K.
Identifiers: ClinVar variation 1700264 (VCV001700264.2), dbSNP rs2105074134, ClinGen allele CA348722809.

ClinVar aggregate classification (germline): Uncertain significance (1 of 4 stars; one submission).

Submission:

GeneDx
Classification: Uncertain significance. Last evaluated: 2022-02-02. Review status: criteria provided, single submitter. Criteria: GeneDx Variant Classification Process June 2021. Collection method: clinical testing. Allele origin: germline. Affected: yes.
Comment: Not observed at significant frequency in large population cohorts (gnomAD); In silico analysis supports that this missense variant does not alter protein structure/function; Has not been previously published as pathogenic or benign to our knowledge